The following is an entry in ClinVar:

NM_004260.4(RECQL4):c.2251C>T (p.Arg751Trp)

Gene: RECQL4 (RecQ like helicase 4; minus strand). Cytogenetic location: 8q24.3.
Variant type: single nucleotide variant.
Coding change: c.2251C>T on transcript NM_004260.4 (MANE Select); coding-DNA position 2251, C replaced by T.
Protein change: p.Arg751Trp; replaces arginine 751 with tryptophan.
Molecular consequence: missense variant.
Genome position (GRCh38, 1-based): chr8:144,513,430, G>A on the plus strand (C>T on the coding strand, the complement: RECQL4 is on the minus strand). VCF-style: chr8-144513430-G-A. GRCh37 (hg19) VCF-style: chr8-145738814-G-A.
Other names: short protein forms R751W.
Identifiers: ClinVar variation 406903 (VCV000406903.12), dbSNP rs750304658, ClinGen allele CA4948363.

ClinVar aggregate classification (germline): Uncertain significance. Review status: criteria provided, multiple submitters, no conflicts (2 of 4 stars). 3 submissions from 3 submitters: Uncertain significance (3). Last evaluated 2025-11-17.

Conditions:
Baller-Gerold syndrome (BGS). Also called: CRANIOSYNOSTOSIS WITH RADIAL DEFECTS. Identifiers: Orphanet 1225, MedGen C0265308, MONDO:0009039, OMIM 218600.
Rapadilino syndrome. Identifiers: Orphanet 3021, MedGen C1849453, MONDO:0009955, OMIM 266280.
Rothmund-Thomson syndrome type 2 (RTS2). Identifiers: Orphanet 221016, MedGen C5203410, MONDO:0016369, OMIM 268400.
Inborn genetic diseases. Identifiers: MedGen C0950123, MeSH D030342.

Allele frequency attached by ClinVar (database versions not stated): gnomAD 0.00007 and 0.00008; TOPMed 0.00010.
gnomAD v4.1: 90 of 1,609,550 alleles (0.0056%); highest among the groups gnomAD compares: African/African-American, 0.008%; no homozygotes.

Submissions (3):

Labcorp Genetics (formerly Invitae), Labcorp
Classification: Uncertain significance for Baller-Gerold syndrome. Last evaluated: 2025-11-17. Review status: criteria provided, single submitter. Criteria: Invitae Variant Classification Sherloc (09022015). Collection method: clinical testing. Allele origin: germline.
Comment: This sequence change replaces arginine, which is basic and polar, with tryptophan, which is neutral and slightly polar, at codon 751 of the RECQL4 protein (p.Arg751Trp). This variant is present in population databases (rs750304658, gnomAD 0.009%). This variant has not been reported in the literature in individuals affected with RECQL4-related conditions. ClinVar contains an entry for this variant (Variation ID: 406903). Invitae Evidence Modeling of protein sequence and biophysical properties (such as structural, functional, and spatial information, amino acid conservation, physicochemical variation, residue mobility, and thermodynamic stability) has been performed for this missense variant. However, the output from this modeling did not meet the statistical confidence thresholds required to predict the impact of this variant on RECQL4 protein function. In summary, the available evidence is currently insufficient to determine the role of this variant in disease. Therefore, it has been classified as a Variant of Uncertain Significance.

Ambry Genetics
Classification: Uncertain significance for Inborn genetic diseases. Last evaluated: 2024-11-22. Review status: criteria provided, single submitter. Criteria: Ambry Variant Classification Scheme 2023. Collection method: clinical testing. Allele origin: germline.
Comment: The p.R751W variant (also known as c.2251C>T), located in coding exon 14 of the RECQL4 gene, results from a C to T substitution at nucleotide position 2251. The arginine at codon 751 is replaced by tryptophan, an amino acid with dissimilar properties. This amino acid position is conserved. In addition, the in silico prediction for this alteration is inconclusive. Based on the available evidence, the clinical significance of this variant remains unclear.

Fulgent Genetics
Classification: Uncertain significance for Baller-Gerold syndrome; Rapadilino syndrome; Rothmund-Thomson syndrome type 2. Last evaluated: 2021-08-18. Review status: criteria provided, single submitter. Criteria: ACMG Guidelines, 2015. Collection method: clinical testing. Allele origin: unknown.